The following is an entry in ClinVar:

NM_000077.5(CDKN2A):c.236C>T (p.Thr79Ile)

Gene: CDKN2A (cyclin dependent kinase inhibitor 2A; minus strand). Cytogenetic location: 9p21.3.
Variant type: single nucleotide variant.
Coding change: c.236C>T on transcript NM_000077.5; coding-DNA position 236, C replaced by T.
Protein change: p.Thr79Ile; replaces threonine 79 with isoleucine.
Molecular consequence: missense variant (on NM_000077.6). On other transcripts: synonymous variant (1), 3 prime UTR variant (1).
Genome position (GRCh38, 1-based): chr9:21,971,123, G>A on the plus strand (C>T on the coding strand, the complement: CDKN2A is on the minus strand). VCF-style: chr9-21971123-G-A. GRCh37 (hg19) VCF-style: chr9-21971122-G-A.
Other names: c.236C>T, p.Thr79Ile (NM_000077.6, NM_001195132.2); c.83C>T, p.Thr28Ile (NM_001363763.2); c.279C>T, p.His93= (NM_058195.4); c.*159C>T (NM_058197.5); short protein forms T79I, T28I.
Identifiers: ClinVar variation 630548 (VCV000630548.16), dbSNP rs1034265990, ClinGen allele CA373086260.

ClinVar aggregate classification (germline): Uncertain significance. Review status: criteria provided, multiple submitters, no conflicts (2 of 4 stars). 5 submissions from 5 submitters: Uncertain significance (5). Last evaluated 2025-04-22.

Conditions:
Familial melanoma. Also called: Hereditary melanoma; Hereditary cutaneous melanoma. Identifiers: Orphanet 618, MedGen C1512419, MONDO:0018961.
Melanoma-pancreatic cancer syndrome. Identifiers: Orphanet 404560, MedGen C1838547, MONDO:0011713, OMIM 606719. Disease mechanism: loss of function.
Melanoma, cutaneous malignant, susceptibility to, 2 (CMM2). Also called: Cutaneous malignant melanoma 2; CDKN2A-Related Cutaneous Malignant Melanoma. Identifiers: Orphanet 618, MedGen C1835044, MONDO:0007964, OMIM 155601.
Melanoma and neural system tumor syndrome. Also called: MELANOMA-ASTROCYTOMA SYNDROME. Identifiers: Orphanet 252206, MedGen C1835042, MONDO:0007967, OMIM 155755.
Hereditary cancer-predisposing syndrome. Also called: Tumor predisposition; Neoplastic Syndromes, Hereditary; Hereditary Cancer Syndrome; Hereditary neoplastic syndrome. Identifiers: Orphanet 140162, MedGen C0027672, MeSH D009386, MONDO:0015356.

Allele frequency attached by ClinVar (database versions not stated): gnomAD exomes below 0.00001; TOPMed 0.00002.
gnomAD v4.1: 5 of 1,603,902 alleles (0.00031%); highest among the groups gnomAD compares: East Asian, 0.011%; no homozygotes.

Submissions (5):

Ambry Genetics
Classification: Uncertain significance for Hereditary cancer-predisposing syndrome. Last evaluated: 2025-04-22. Review status: criteria provided, single submitter. Criteria: Ambry Variant Classification Scheme 2023. Collection method: clinical testing. Allele origin: germline.
Comment: The p.T79I variant (also known as c.236C>T), located in coding exon 2 of the CDKN2A gene, results from a C to T substitution at nucleotide position 236. The threonine at codon 79 is replaced by isoleucine, an amino acid with similar properties. Of note, this alteration is also known as c.279C>T (p.H93H)in the p14(ARF) isoform. This amino acid position is not well conserved in available vertebrate species. In addition, the in silico prediction for this alteration is inconclusive. Based on the available evidence, the clinical significance of this variant remains unclear.

Color Diagnostics, LLC DBA Color Health
Classification: Uncertain significance for Hereditary cancer-predisposing syndrome. Last evaluated: 2025-02-03. Review status: criteria provided, single submitter. Criteria: ACMG Guidelines, 2015. Collection method: clinical testing. Allele origin: germline.
Comment: The CDKN2A locus encodes two different gene products, p16INK4a and p14ARF. This missense variant replaces threonine with isoleucine at codon 79 of the CDKN2A (p16INK4A) protein. Computational prediction is inconclusive regarding the impact of this variant on protein structure and function. To our knowledge, functional studies have not been reported for this variant. This variant has been reported in an individual affected with paraganglioma (PMID: 33397043). This variant has been identified in 1/229620 chromosomes in the general population by the Genome Aggregation Database (gnomAD). The available evidence is insufficient to determine the role of this variant in disease conclusively. Therefore, this variant is classified as a Variant of Uncertain Significance.

Women's Health and Genetics/Laboratory Corporation of America, LabCorp
Classification: Uncertain significance. Last evaluated: 2024-02-05. Review status: criteria provided, single submitter. Criteria: LabCorp Variant Classification Summary - May 2015. Collection method: clinical testing. Allele origin: germline.
Comment: Variant summary: CDKN2A c.236C>T (p.Thr79Ile) results in a non-conservative amino acid change in the encoded protein sequence. Four of five in-silico tools predict a damaging effect of the variant on protein function. The variant allele was found at a frequency of 4.4e-06 in 229620 control chromosomes (gnomAD). The available data on variant occurrences in the general population are insufficient to allow any conclusion about variant significance. c.236C>T has been reported in the literature in individuals affected with paraganglioma or biliary tract cancer as well as unaffected controls (Seo_2020, Okawa_2023). These reports do not provide unequivocal conclusions about association of the variant with Cutaneous Malignant Melanoma. To our knowledge, no experimental evidence demonstrating an impact on protein function has been reported. The following publications have been ascertained in the context of this evaluation (PMID: 33397043, 36243179). ClinVar contains an entry for this variant (Variation ID: 630548). Based on the evidence outlined above, the variant was classified as uncertain significance.

Labcorp Genetics (formerly Invitae), Labcorp
Classification: Uncertain significance for Familial melanoma. Last evaluated: 2022-05-04. Review status: criteria provided, single submitter. Criteria: Invitae Variant Classification Sherloc (09022015). Collection method: clinical testing. Allele origin: germline.
Comment: This sequence change replaces threonine, which is neutral and polar, with isoleucine, which is neutral and non-polar, at codon 79 of the CDKN2A (p16INK4a) protein (p.Thr79Ile). This variant is present in population databases (no rsID available, gnomAD 0.006%). This variant has not been reported in the literature in individuals affected with CDKN2A (p16INK4a)-related conditions. ClinVar contains an entry for this variant (Variation ID: 630548). Algorithms developed to predict the effect of missense changes on protein structure and function (SIFT, PolyPhen-2, Align-GVGD) all suggest that this variant is likely to be tolerated. In summary, the available evidence is currently insufficient to determine the role of this variant in disease. Therefore, it has been classified as a Variant of Uncertain Significance.

Fulgent Genetics
Classification: Uncertain significance for Melanoma, cutaneous malignant, susceptibility to, 2; Melanoma and neural system tumor syndrome; Melanoma-pancreatic cancer syndrome. Last evaluated: 2022-02-21. Review status: criteria provided, single submitter. Criteria: ACMG Guidelines, 2015. Collection method: clinical testing. Allele origin: unknown.

Literature cited by the submitters: PubMed 25372287 (cited by Ambry Genetics); PubMed 26205736 (cited by Ambry Genetics); PubMed 33397043 (cited by Color Diagnostics, LLC DBA Color Health and Women's Health and Genetics/Laboratory Corporation of America, LabCorp); PubMed 36243179 (cited by Women's Health and Genetics/Laboratory Corporation of America, LabCorp).